The following is an entry in ClinVar:

NM_000424.4(KRT5):c.605T>G (p.Leu202Arg)

Genes: KRT5 (keratin 5; minus strand), LOC126861526 (BRD4-independent group 4 enhancer GRCh37_chr12:52912066-52913265; plus strand). Cytogenetic location: 12q13.13.
Variant type: single nucleotide variant.
Coding change: c.605T>G on transcript NM_000424.4 (MANE Select); coding-DNA position 605, T replaced by G.
Protein change: p.Leu202Arg; replaces leucine 202 with arginine.
Molecular consequence: missense variant.
Genome position (GRCh38, 1-based): chr12:52,519,111, A>C on the plus strand (T>G on the coding strand, the complement: KRT5 is on the minus strand). VCF-style: chr12-52519111-A-C. GRCh37 (hg19) VCF-style: chr12-52912895-A-C.
Other names: short protein forms L202R.
Identifiers: ClinVar variation 3635233 (VCV003635233.2).

ClinVar aggregate classification (germline): Likely pathogenic (1 of 4 stars; one submission).

gnomAD v4.1: 1 of 1,614,200 alleles (0.000062%); highest among the groups gnomAD compares: Non-Finnish European, 0.000085%; no homozygotes.

Submission:

Labcorp Genetics (formerly Invitae), Labcorp
Classification: Likely pathogenic. Last evaluated: 2025-06-02. Review status: criteria provided, single submitter. Criteria: Invitae Variant Classification Sherloc (09022015). Collection method: clinical testing. Allele origin: germline.
Comment: This sequence change replaces leucine, which is neutral and non-polar, with arginine, which is basic and polar, at codon 202 of the KRT5 protein (p.Leu202Arg). This variant is present in population databases (no rsID available, gnomAD 0.0009%). This missense change has been observed in individual(s) with autosomal dominant epidermolysis bullosa (internal data). It has also been observed to segregate with disease in related individuals. ClinVar contains an entry for this variant (Variation ID: 3635233). Invitae Evidence Modeling of protein sequence and biophysical properties (such as structural, functional, and spatial information, amino acid conservation, physicochemical variation, residue mobility, and thermodynamic stability) has been performed for this missense variant. However, the output from this modeling did not meet the statistical confidence thresholds required to predict the impact of this variant on KRT5 protein function. This variant disrupts the p.Leu202 amino acid residue in KRT5. Other variant(s) that disrupt this residue have been observed in individuals with KRT5-related conditions (PMID: 26668653, 26743602, 34046686), which suggests that this may be a clinically significant amino acid residue. In summary, the currently available evidence indicates that the variant is pathogenic, but additional data are needed to prove that conclusively. Therefore, this variant has been classified as Likely Pathogenic.

Literature cited by the submitters: PubMed 26668653; PubMed 26743602; PubMed 34046686.